The following is an entry in ClinVar:

ClinVar aggregate classification (germline): Uncertain significance (1 of 4 stars; one submission).

Conditions:
MEPE-related disorder. Also called: MEPE-related condition.

Allele frequency attached by ClinVar (database versions not stated): gnomAD exomes below 0.00001.
gnomAD v4.1: 1 of 1,613,996 alleles (0.000062%); highest among the groups gnomAD compares: East Asian, 0.0022%; no homozygotes.

Submission:

PreventionGenetics, part of Exact Sciences
Classification: Uncertain significance for MEPE-related condition. Last evaluated: 2023-09-05. Review status: criteria provided, single submitter. Criteria: ACMG Guidelines, 2015. Collection method: clinical testing. Allele origin: germline.
Comment: The MEPE c.1549C>A variant is predicted to result in the amino acid substitution p.Pro517Thr. To our knowledge, this variant has not been reported in the literature or in a large population database, indicating this variant is rare. At this time, the clinical significance of this variant is uncertain due to the absence of conclusive functional and genetic evidence.

NM_020203.6(MEPE):c.1456C>A (p.Pro486Thr)

Genes: MEPE (matrix extracellular phosphoglycoprotein; plus strand), MEPE-AS1 (MEPE and IBSP antisense RNA 1; minus strand). Cytogenetic location: 4q22.1.
Variant type: single nucleotide variant.
Coding change: c.1456C>A on transcript NM_020203.6 (MANE Select); coding-DNA position 1456, C replaced by A.
Protein change: p.Pro486Thr; replaces proline 486 with threonine.
Molecular consequence: missense variant.
Genome position (GRCh38, 1-based): chr4:87,846,324, C>A. VCF-style: chr4-87846324-C-A. GRCh37 (hg19) VCF-style: chr4-88767476-C-A.
Other names: c.1456C>A, p.Pro486Thr (NM_001184694.3); c.1117C>A, p.Pro373Thr (NM_001184695.4, NM_001184696.2, NM_001184697.2); c.1549C>A, p.Pro517Thr (NM_001291183.2); short protein forms P373T, P486T, P517T.
Identifiers: ClinVar variation 2631127 (VCV002631127.1), dbSNP rs2476174507, ClinGen allele CA357620309.
Genomic context (GRCh38, chr4:87,846,324, plus strand): 5'-GGCAGAAAATATCATTATGTACCCCACAGACAAAATAATTCTACACGGAATAAGGGTATG[C>A]CACAAGGGAAAGGCTCCTGGGGTAGACAACCCCATTCCAACAGGAGGTTTAGTTCCCGTA-3'
Protein context (NP_064588.1, residues 476-496): QNNSTRNKGM[Pro486Thr]QGKGSWGRQP